The following is an entry in ClinVar:

ClinVar aggregate classification (germline): Uncertain significance. Review status: criteria provided, multiple submitters, no conflicts (2 of 4 stars). 2 submissions from 2 submitters: Uncertain significance (2). Last evaluated 2025-09-22.

Conditions:
Hereditary cancer-predisposing syndrome. Also called: Hereditary Cancer Syndrome; Tumor predisposition; Neoplastic Syndromes, Hereditary; Hereditary neoplastic syndrome. Identifiers: Orphanet 140162, MedGen C0027672, MeSH D009386, MONDO:0015356.
Familial adenomatous polyposis 1 (FAP1). Also called: FAMILIAL ADENOMATOUS POLYPOSIS 1, ATTENUATED; POLYPOSIS, ADENOMATOUS INTESTINAL. Identifiers: MedGen C2713442, MONDO:0021056, OMIM 175100. Disease mechanism: loss of function.

Submissions (2):

Ambry Genetics
Classification: Uncertain significance for Hereditary cancer-predisposing syndrome. Last evaluated: 2025-09-22. Review status: criteria provided, single submitter. Criteria: Ambry Variant Classification Scheme 2023. Collection method: clinical testing. Allele origin: germline.
Comment: The p.S2557P variant (also known as c.7669T>C), located in coding exon 15 of the APC gene, results from a T to C substitution at nucleotide position 7669. The serine at codon 2557 is replaced by proline, an amino acid with similar properties. This amino acid position is conserved. In addition, in silico predictors for this gene do not accurately predict pathogenicity. Based on the available evidence, the clinical significance of this variant remains unclear.

Labcorp Genetics (formerly Invitae), Labcorp
Classification: Uncertain significance for Familial adenomatous polyposis 1. Last evaluated: 2020-02-19. Review status: criteria provided, single submitter. Criteria: Invitae Variant Classification Sherloc (09022015). Collection method: clinical testing. Allele origin: germline.
Comment: This sequence change replaces serine with proline at codon 2557 of the APC protein (p.Ser2557Pro). The serine residue is highly conserved and there is a moderate physicochemical difference between serine and proline. This variant is not present in population databases (ExAC no frequency). This variant has not been reported in the literature in individuals with APC-related conditions. Algorithms developed to predict the effect of missense changes on protein structure and function (SIFT, PolyPhen-2, Align-GVGD) all suggest that this variant is likely to be disruptive, but these predictions have not been confirmed by published functional studies and their clinical significance is uncertain. In summary, the available evidence is currently insufficient to determine the role of this variant in disease. Therefore, it has been classified as a Variant of Uncertain Significance.

NM_000038.6(APC):c.7669T>C (p.Ser2557Pro)

Gene: APC (APC regulator of Wnt signaling pathway; plus strand). Cytogenetic location: 5q22.2.
Variant type: single nucleotide variant.
Coding change: c.7669T>C on transcript NM_000038.6 (MANE Select); coding-DNA position 7669, T replaced by C.
Protein change: p.Ser2557Pro; replaces serine 2557 with proline.
Molecular consequence: missense variant.
Genome position (GRCh38, 1-based): chr5:112,843,263, T>C. VCF-style: chr5-112843263-T-C. GRCh37 (hg19) VCF-style: chr5-112178960-T-C.
Other names: c.7669T>C (NM_000038.5); c.7669T>C, p.Ser2557Pro (NM_001127510.3, NM_001354895.2); c.7615T>C, p.Ser2539Pro (NM_001127511.3); c.7723T>C, p.Ser2575Pro (NM_001354896.2); c.7699T>C, p.Ser2567Pro (NM_001354897.2); c.7594T>C, p.Ser2532Pro (NM_001354898.2); c.7585T>C, p.Ser2529Pro (NM_001354899.2); c.7546T>C, p.Ser2516Pro (NM_001354900.2); and 6 more; short protein forms S2274P, S2397P, S2431P, S2456P, S2466P, S2498P, S2516P, S2529P.
Identifiers: ClinVar variation 1015134 (VCV001015134.49), dbSNP rs1766538129, ClinGen allele CA16037991.
Genomic context (GRCh38, chr5:112,843,263, plus strand): 5'-TCTAGACTTCCAATCAATAGGTCAGGAACCTGGAAACGTGAGCACAGCAAACATTCATCA[T>C]CCCTTCCTCGAGTAAGCACTTGGAGAAGAACTGGAAGTTCATCTTCAATTCTTTCTGCTT-3'
Protein context (NP_000029.2, residues 2547-2567): WKREHSKHSS[Ser2557Pro]LPRVSTWRRT